The following is an entry in ClinVar:

ClinVar aggregate classification (germline): Pathogenic/Likely pathogenic. Review status: criteria provided, multiple submitters, no conflicts (2 of 4 stars). 2 submissions from 2 submitters: Pathogenic (1); Likely pathogenic (1). Last evaluated 2023-09-06.

Conditions:
Pitt-Hopkins-like syndrome 2 (PTHSL2). Identifiers: Orphanet 221150, Orphanet 600663, MedGen C3280479, MONDO:0013690, OMIM 614325.

Allele frequency attached by ClinVar (database versions not stated): gnomAD exomes below 0.00001.
gnomAD v4.1: 1 of 1,613,684 alleles (0.000062%); no homozygotes.

Submissions (2):

GeneDx
Classification: Likely pathogenic. Last evaluated: 2023-09-06. Review status: criteria provided, single submitter. Criteria: GeneDx Variant Classification Process June 2021. Collection method: clinical testing. Allele origin: germline. Affected: yes.
Comment: Apparently de novo variant in a patient with a neurodevelopmental phenotype (Wang et al., 2021); however, no patient-specific clinical information was provided.; Nonsense variant predicted to result in protein truncation or nonsense mediated decay in a gene for which loss of function is a known mechanism of disease; Not observed at significant frequency in large population cohorts (gnomAD); This variant is associated with the following publications: (PMID: 33994118)

Labcorp Genetics (formerly Invitae), Labcorp
Classification: Pathogenic for Pitt-Hopkins-like syndrome 2. Last evaluated: 2023-07-15. Review status: criteria provided, single submitter. Criteria: Invitae Variant Classification Sherloc (09022015). Collection method: clinical testing. Allele origin: germline.
Comment: For these reasons, this variant has been classified as Pathogenic. Algorithms developed to predict the effect of sequence changes on RNA splicing suggest that this variant may create or strengthen a splice site. This premature translational stop signal has been observed in individual(s) with neurodevelopmental disorder (Invitae). This variant is not present in population databases (gnomAD no frequency). This sequence change creates a premature translational stop signal (p.Arg895*) in the NRXN1 gene. It is expected to result in an absent or disrupted protein product. Loss-of-function variants in NRXN1 are known to be pathogenic (PMID: 19896112, 21964664, 23495017, 23533028, 25149956, 30031152).

Literature cited by the submitters: PubMed 19896112 (cited by Labcorp Genetics (formerly Invitae), Labcorp); PubMed 21964664 (cited by Labcorp Genetics (formerly Invitae), Labcorp); PubMed 23495017 (cited by Labcorp Genetics (formerly Invitae), Labcorp); PubMed 23533028 (cited by Labcorp Genetics (formerly Invitae), Labcorp); PubMed 25149956 (cited by Labcorp Genetics (formerly Invitae), Labcorp); PubMed 30031152 (cited by Labcorp Genetics (formerly Invitae), Labcorp).

NM_001330078.2(NRXN1):c.2563C>T (p.Arg855Ter)

Gene: NRXN1 (neurexin 1; minus strand). Cytogenetic location: 2p16.3.
Variant type: single nucleotide variant.
Coding change: c.2563C>T on transcript NM_001330078.2 (MANE Select); coding-DNA position 2563, C replaced by T.
Protein change: p.Arg855Ter; replaces arginine 855 with a stop codon.
Molecular consequence: nonsense.
Genome position (GRCh38, 1-based): chr2:50,497,649, G>A on the plus strand (C>T on the coding strand, the complement: NRXN1 is on the minus strand). VCF-style: chr2-50497649-G-A. GRCh37 (hg19) VCF-style: chr2-50724787-G-A.
Other names: c.2683C>T (NM_001135659.1); c.2683C>T, p.Arg895Ter (NM_001135659.3); c.2539C>T, p.Arg847Ter (NM_001330077.2, NM_001330082.2); c.2497C>T, p.Arg833Ter (NM_001330083.2, NM_001330084.2); c.2536C>T, p.Arg846Ter (NM_001330085.2); c.2563C>T, p.Arg855Ter (NM_001330086.2, NM_004801.6); c.2452C>T, p.Arg818Ter (NM_001330087.2, NM_001330096.2); c.2482C>T, p.Arg828Ter (NM_001330088.2); and 3 more; short protein forms R828*, R846*, R851*, R855*, R895*, R833*, R838*, R847*.
Identifiers: ClinVar variation 3019190 (VCV003019190.4), dbSNP rs1470931619, ClinGen allele CA346777364.